The following is an entry in ClinVar:

NM_003978.5(PSTPIP1):c.305T>C (p.Leu102Pro)

Gene: PSTPIP1 (proline-serine-threonine phosphatase interacting protein 1; plus strand). Cytogenetic location: 15q24.3.
Variant type: single nucleotide variant.
Coding change: c.305T>C on transcript NM_003978.5 (MANE Select); coding-DNA position 305, T replaced by C.
Protein change: p.Leu102Pro; replaces leucine 102 with proline.
Molecular consequence: missense variant. On other transcripts: non-coding transcript variant (1).
Genome position (GRCh38, 1-based): chr15:77,025,555, T>C. VCF-style: chr15-77025555-T-C. GRCh37 (hg19) VCF-style: chr15-77317896-T-C.
Other names: c.305T>C, p.Leu102Pro (NM_001321135.2, NM_001411086.1); c.278T>C, p.Leu93Pro (NM_001321136.2); c.500T>C, p.Leu167Pro (NM_001321137.1); short protein forms L102P, L93P, L167P.
Identifiers: ClinVar variation 1997450 (VCV001997450.4), dbSNP rs2542798079, ClinGen allele CA393518937.

ClinVar aggregate classification (germline): Uncertain significance (1 of 4 stars; one submission).

Conditions:
Pyogenic arthritis-pyoderma gangrenosum-acne syndrome (PAPA). Also called: PAPA SYNDROME; FAMILIAL RECURRENT ARTHRITIS. Identifiers: Orphanet 69126, MedGen C1858361, MONDO:0011462, OMIM 604416.

Submission:

Labcorp Genetics (formerly Invitae), Labcorp
Classification: Uncertain significance for Pyogenic arthritis-pyoderma gangrenosum-acne syndrome. Last evaluated: 2022-05-21. Review status: criteria provided, single submitter. Criteria: Invitae Variant Classification Sherloc (09022015). Collection method: clinical testing. Allele origin: germline.
Comment: In summary, the available evidence is currently insufficient to determine the role of this variant in disease. Therefore, it has been classified as a Variant of Uncertain Significance. Algorithms developed to predict the effect of missense changes on protein structure and function are either unavailable or do not agree on the potential impact of this missense change (SIFT: "Deleterious"; PolyPhen-2: "Probably Damaging"; Align-GVGD: "Class C0"). This variant has not been reported in the literature in individuals affected with PSTPIP1-related conditions. This variant is not present in population databases (gnomAD no frequency). This sequence change replaces leucine, which is neutral and non-polar, with proline, which is neutral and non-polar, at codon 102 of the PSTPIP1 protein (p.Leu102Pro).